The following is an entry in ClinVar:

NM_003098.3(SNTA1):c.766A>T (p.Ser256Cys)

Gene: SNTA1 (syntrophin alpha 1; minus strand). Cytogenetic location: 20q11.21.
Variant type: single nucleotide variant.
Coding change: c.766A>T on transcript NM_003098.3 (MANE Select); coding-DNA position 766, A replaced by T.
Protein change: p.Ser256Cys; replaces serine 256 with cysteine.
Molecular consequence: missense variant.
Genome position (GRCh38, 1-based): chr20:33,412,718, T>A on the plus strand (A>T on the coding strand, the complement: SNTA1 is on the minus strand). VCF-style: chr20-33412718-T-A. GRCh37 (hg19) VCF-style: chr20-32000524-T-A.
Other names: c.766A>T (NM_003098.2); short protein forms S256C.
Identifiers: ClinVar variation 1415086 (VCV001415086.8), dbSNP rs192115867, ClinGen allele CA9817151.

ClinVar aggregate classification (germline): Uncertain significance. Review status: criteria provided, multiple submitters, no conflicts (2 of 4 stars). 2 submissions from 2 submitters: Uncertain significance (2). Last evaluated 2025-05-20.

Conditions:
Cardiovascular phenotype. Identifiers: MedGen CN230736.
Long QT syndrome (LQTS). Identifiers: MedGen C0023976, MeSH D008133, MONDO:0002442. Disease mechanism: loss of function. Inheritance: Various modes of inheritance.

Allele frequency attached by ClinVar (database versions not stated): gnomAD exomes below 0.00001 and 0.00001; ExAC 0.00001; gnomAD 0.00001; TOPMed 0.00001; 1000 Genomes Project 0.00020; 1000 Genomes Project 30x 0.00031.

Submissions (2):

Ambry Genetics
Classification: Uncertain significance for Cardiovascular phenotype. Last evaluated: 2025-05-20. Review status: criteria provided, single submitter. Criteria: Ambry Variant Classification Scheme 2023. Collection method: clinical testing. Allele origin: germline.

Labcorp Genetics (formerly Invitae), Labcorp
Classification: Uncertain significance for Long QT syndrome. Last evaluated: 2023-03-07. Review status: criteria provided, single submitter. Criteria: Invitae Variant Classification Sherloc (09022015). Collection method: clinical testing. Allele origin: germline.
Comment: This sequence change replaces serine, which is neutral and polar, with cysteine, which is neutral and slightly polar, at codon 256 of the SNTA1 protein (p.Ser256Cys). In summary, the available evidence is currently insufficient to determine the role of this variant in disease. Therefore, it has been classified as a Variant of Uncertain Significance. Advanced modeling of protein sequence and biophysical properties (such as structural, functional, and spatial information, amino acid conservation, physicochemical variation, residue mobility, and thermodynamic stability) performed at Invitae indicates that this missense variant is not expected to disrupt SNTA1 protein function. ClinVar contains an entry for this variant (Variation ID: 1415086). This variant has not been reported in the literature in individuals affected with SNTA1-related conditions. This variant is present in population databases (rs192115867, gnomAD 0.003%).